The following is an entry in ClinVar:

ClinVar aggregate classification (germline): Likely pathogenic (1 of 4 stars; one submission).

Conditions:
Primary coenzyme Q10 deficiency 8. Identifiers: MedGen C4225226, MONDO:0014754, OMIM 616733.

Submission:

Rady Children's Institute for Genomic Medicine, Rady Children's Hospital San Diego
Classification: Likely pathogenic for COENZYME Q10 DEFICIENCY, PRIMARY, 8. Review status: criteria provided, single submitter. Criteria: ACMG Guidelines, 2015. Collection method: clinical testing. Allele origin: germline. Affected: yes.
Comment: This frameshifting variant in exon 1 of 6 introduces a premature stop codon and is therefore predicted to result in loss of normal protein function through either protein truncation or nonsense-mediated mRNA decay (NMD). This variant has not been previously reported or functionally characterized in the literature to our knowledge; however, loss-of-function variation in COQ7 has been reported in affected individuals in the literature (PMID: 31240163). The c.28_44dup (p.Arg16ProfsTer30) variant is absent from the gnomAD population database and thus is presumed to be rare. Based on the available evidence, the c.28_44dup (p.Arg16ProfsTer30) variant is classified as Likely Pathogenic.

NM_016138.5(COQ7):c.28_44dup (p.Arg16fs)

Genes: COQ7 (coenzyme Q7, hydroxylase; plus strand), COQ7-DT (COQ7 divergent transcript; minus strand), LOC130058587 (ATAC-STARR-seq lymphoblastoid silent region 7240; plus strand). Cytogenetic location: 16p12.3.
Variant type: Duplication.
Coding change: c.28_44dup on transcript NM_016138.5 (MANE Select); coding-DNA positions 28 to 44, 17 bases duplicated (CCCCGCCTTTGGCGGCT).
Protein change: p.Arg16fs; shifts the reading frame from arginine 16.
Molecular consequence: frameshift variant. On other transcripts: non-coding transcript variant (2).
Genome position (GRCh38, 1-based): chr16:19,067,692-19,067,708, CCCCGCCTTTGGCGGCT duplicated; duplicating any 17 consecutive bases within chr16:19,067,685-19,067,708 gives the same sequence; the c. name uses the placement nearest the transcript's 3' end. VCF-style (leftmost placement, unchanged base first): chr16-19067684-C-CGGCGGCTCCCCGCCTTT. GRCh37 (hg19) VCF-style: chr16-19079006-C-CGGCGGCTCCCCGCCTTT.
Other names: c.28_44dup, p.Arg16fs (NM_001370490.1); short protein forms R16fs.
Identifiers: ClinVar variation 2584462 (VCV002584462.1), dbSNP rs2509308079, ClinGen allele CA2582342505.
Genomic context (GRCh38, chr16:19,067,684, plus strand): 5'-AGTTCCGTTCAACGAAGTGGTTGCTTTTTTTAGTTCCGGCAATGAGTTGCGCCGGGGCGG[C>CGGCGGCTCCCCGCCTTT]GGCGGCTCCCCGCCTTTGGCGGCTGCGCCCGGGGGCCCGGCGGTCCCTCTCAGGTAAAAG-3'